The following is an entry in ClinVar:

NM_000051.4(ATM):c.4909+17A>G

Gene: ATM (ATM serine/threonine kinase; plus strand). Cytogenetic location: 11q22.3.
Variant type: single nucleotide variant.
Coding change: c.4909+17A>G on transcript NM_000051.4 (MANE Select); 17 bases into the intron after coding-DNA position 4909, A replaced by G.
Molecular consequence: intron variant.
Genome position (GRCh38, 1-based): chr11:108,295,076, A>G. VCF-style: chr11-108295076-A-G. GRCh37 (hg19) VCF-style: chr11-108165803-A-G.
Other names: c.4909+17A>G (NM_000051.3, NM_001351834.2).
Identifiers: ClinVar variation 1578087 (VCV001578087.10), dbSNP rs550300834, ClinGen allele CA6265574.
Genomic context (GRCh38, chr11:108,295,076, plus strand): 5'-ACTACATAAAGATCAGATGGTGGACATTATGAGAGCTTCTCAGGGTGCTAATTTTAAATG[A>G]CATGGGCTATTTCTACCTGTTTCTTTTTGAAAGAATATTTTGCAAAGTCTTGCTCTTGGT-3'

ClinVar aggregate classification (germline): Conflicting classifications of pathogenicity. Review status: criteria provided, conflicting classifications (1 of 4 stars). 2 submissions from 2 submitters: Uncertain significance (1); Likely benign (1). Last evaluated 2025-12-03.

Conditions:
Hereditary cancer-predisposing syndrome. Also called: Neoplastic Syndromes, Hereditary; Hereditary neoplastic syndrome; Hereditary Cancer Syndrome; Tumor predisposition. Identifiers: Orphanet 140162, MedGen C0027672, MeSH D009386, MONDO:0015356.
Ataxia-telangiectasia syndrome (AT). Also called: Cerebello-oculocutaneous telangiectasia; Immunodeficiency with ataxia telangiectasia; ATAXIA-TELANGIECTASIA, COMPLEMENTATION GROUP A; ATAXIA-TELANGIECTASIA, FRESNO VARIANT; LOUIS-BAR SYNDROME; AT, COMPLEMENTATION GROUP C. Identifiers: Orphanet 100, MedGen C0004135, MONDO:0008840, OMIM 208900.

Allele frequency attached by ClinVar (database versions not stated): gnomAD exomes below 0.00001; ExAC 0.00001; gnomAD 0.00001; 1000 Genomes Project 30x 0.00016; 1000 Genomes Project 0.00020.
gnomAD v4.1: 4 of 1,613,530 alleles (0.00025%); highest among the groups gnomAD compares: South Asian, 0.0022%; no homozygotes.

Submissions (2):

Labcorp Genetics (formerly Invitae), Labcorp
Classification: Likely benign for Ataxia-telangiectasia syndrome. Last evaluated: 2025-12-03. Review status: criteria provided, single submitter. Criteria: Invitae Variant Classification Sherloc (09022015). Collection method: clinical testing. Allele origin: germline.

Ambry Genetics
Classification: Uncertain significance for Hereditary cancer-predisposing syndrome. Last evaluated: 2022-03-02. Review status: criteria provided, single submitter. Criteria: Ambry Variant Classification Scheme 2023. Collection method: clinical testing. Allele origin: germline.
Comment: The c.4909+17A>G intronic alteration consists of a A to G substitution 7 nucleotides after coding exon 31 in the ATM gene. Based on insufficient or conflicting evidence, the clinical significance of this alteration remains unclear.